The following is an entry in ClinVar:

ClinVar aggregate classification (germline): Benign (1 of 4 stars; one submission).

Allele frequency attached by ClinVar (database versions not stated): gnomAD 0.12568 and 0.12828; 1000 Genomes Project 0.13139; 1000 Genomes Project 30x 0.13429.
gnomAD v4.1: 17,740 of 141,850 alleles (13%); highest among the groups gnomAD compares: African/African-American, 28%; 1,636 homozygotes.

Submission:

GeneDx
Classification: Benign. Last evaluated: 2018-06-16. Review status: criteria provided, single submitter. Criteria: GeneDx Variant Classification (06012015). Collection method: clinical testing. Allele origin: germline. Affected: yes.
Comment: This variant is considered likely benign or benign based on one or more of the following criteria: it is a conservative change, it occurs at a poorly conserved position in the protein, it is predicted to be benign by multiple in silico algorithms, and/or has population frequency not consistent with disease.

NM_182961.4(SYNE1):c.20863-239T>C

Gene: SYNE1 (spectrin repeat containing nuclear envelope protein 1; minus strand). Cytogenetic location: 6q25.2.
Variant type: single nucleotide variant.
Coding change: c.20863-239T>C on transcript NM_182961.4 (MANE Select); 239 bases into the intron before coding-DNA position 20863, T replaced by C.
Molecular consequence: intron variant.
Genome position (GRCh38, 1-based): chr6:152,231,806, A>G on the plus strand (T>C on the coding strand, the complement: SYNE1 is on the minus strand). VCF-style: chr6-152231806-A-G. GRCh37 (hg19) VCF-style: chr6-152552941-A-G.
Other names: c.20650-239T>C (NM_033071.5).
Identifiers: ClinVar variation 670675 (VCV000670675.1), dbSNP rs1106579, ClinGen allele CA150190336.
Genomic context (GRCh38, chr6:152,231,806, plus strand): 5'-ATACGTTTATATGAACATAAACACAGATATACGTGTGTATGTGTGTGTGTGTGTGTGTAT[A>G]TATATATTTAGGTAGAAGATTTAGAACTAGATAAATTATATAACCTCACTATAAAATATT-3'